The following is an entry in ClinVar:

NM_153365.3(TAPT1):c.72C>G (p.Asp24Glu)

Genes: TAPT1 (transmembrane anterior posterior transformation 1; minus strand), LOC129992296 (ATAC-STARR-seq lymphoblastoid silent region 15304; plus strand). Cytogenetic location: 4p15.32.
Variant type: single nucleotide variant.
Coding change: c.72C>G on transcript NM_153365.3 (MANE Select); coding-DNA position 72, C replaced by G.
Protein change: p.Asp24Glu; replaces aspartic acid 24 with glutamic acid.
Molecular consequence: missense variant.
Genome position (GRCh38, 1-based): chr4:16,226,386, G>C on the plus strand (C>G on the coding strand, the complement: TAPT1 is on the minus strand). VCF-style: chr4-16226386-G-C. GRCh37 (hg19) VCF-style: chr4-16228009-G-C.
Other names: c.72C>G (NM_153365.2); short protein forms D24E.
Identifiers: ClinVar variation 1463828 (VCV001463828.7), dbSNP rs1350671190, ClinGen allele CA356490634.
Genomic context (GRCh38, chr4:16,226,386, plus strand): 5'-AGGCGCCGGCGGGGGCCCCTGTCCGCCGCTGCCGCCCGGCTGCTCCGCCTCGCCGCGGCC[G>C]TCCCGCTGCGGGCCGTCCACGCCGCCACCGCCGCCTTCTCCCGGAGCGGCCGCGTCGCCG-3'
Protein context (NP_699196.2, residues 14-34): GGGGVDGPQR[Asp24Glu]GRGEAEQPGG

ClinVar aggregate classification (germline): Uncertain significance. Review status: criteria provided, multiple submitters, no conflicts (2 of 4 stars). 2 submissions from 2 submitters: Uncertain significance (2). Last evaluated 2025-03-27.

Conditions:
Inborn genetic diseases. Identifiers: MedGen C0950123, MeSH D030342.

Allele frequency attached by ClinVar (database versions not stated): TOPMed 0.00005; 1000 Genomes Project 30x 0.00016; gnomAD 0.00005 and 0.00007.
gnomAD v4.1: 25 of 1,100,212 alleles (0.0023%); highest among the groups gnomAD compares: East Asian, 0.092%; no homozygotes.

Submissions (2):

Ambry Genetics
Classification: Uncertain significance for Inborn genetic diseases. Last evaluated: 2025-03-27. Review status: criteria provided, single submitter. Criteria: Ambry Variant Classification Scheme 2023. Collection method: clinical testing. Allele origin: germline.

Labcorp Genetics (formerly Invitae), Labcorp
Classification: Uncertain significance. Last evaluated: 2024-09-16. Review status: criteria provided, single submitter. Criteria: Invitae Variant Classification Sherloc (09022015). Collection method: clinical testing. Allele origin: germline.
Comment: This sequence change replaces aspartic acid, which is acidic and polar, with glutamic acid, which is acidic and polar, at codon 24 of the TAPT1 protein (p.Asp24Glu). This variant is present in population databases (no rsID available, gnomAD 0.1%). This variant has not been reported in the literature in individuals affected with TAPT1-related conditions. ClinVar contains an entry for this variant (Variation ID: 1463828). An algorithm developed to predict the effect of missense changes on protein structure and function outputs the following: PolyPhen-2: "Not Available". The glutamic acid amino acid residue is found in multiple mammalian species, which suggests that this missense change does not adversely affect protein function. In summary, the available evidence is currently insufficient to determine the role of this variant in disease. Therefore, it has been classified as a Variant of Uncertain Significance.